The following is an entry in ClinVar:

ClinVar aggregate classification (germline): Conflicting classifications of pathogenicity. Review status: criteria provided, conflicting classifications (1 of 4 stars). 12 submissions from 12 submitters: Uncertain significance (3); Benign (1); Likely benign (8). Last evaluated 2026-01-27.

Conditions:
MYL3-related disorder. Also called: MYL3-related condition.
Cardiovascular phenotype. Identifiers: MedGen CN230736.
Cardiomyopathy (CMYO). Also called: Cardiomyopathies. Identifiers: Orphanet 167848, MedGen C0878544, MONDO:0004994, HP:0001638. Inheritance: Various modes of inheritance.
Hypertrophic cardiomyopathy 8. Also called: MYL3-Related Familial Hypertrophic Cardiomyopathy; CARDIOMYOPATHY, HYPERTROPHIC, MID-LEFT VENTRICULAR CHAMBER TYPE, 1. Identifiers: MedGen C1837471, MONDO:0012111, OMIM 608751.
Hypertrophic cardiomyopathy. Also called: HYPERTROPHIC MYOCARDIOPATHY. Identifiers: Orphanet 217569, MedGen C0007194, MeSH D002312, MONDO:0005045, HP:0001639.

Allele frequency attached by ClinVar (database versions not stated): TOPMed 0.00005; ESP Exome Variant Server 0.00008; gnomAD 0.00002 and 0.00009; gnomAD exomes 0.00022; ExAC 0.00026; 1000 Genomes Project 30x 0.00031; 1000 Genomes Project 0.00040.
gnomAD v4.1: 190 of 1,614,082 alleles (0.012%); highest among the groups gnomAD compares: South Asian, 0.16%; 1 homozygote.

Submissions (12):

Labcorp Genetics (formerly Invitae), Labcorp
Classification: Likely benign for Hypertrophic cardiomyopathy. Last evaluated: 2026-01-27. Review status: criteria provided, single submitter. Criteria: Invitae Variant Classification Sherloc (09022015). Collection method: clinical testing. Allele origin: germline.

GeneDx
Classification: Uncertain significance. Last evaluated: 2025-11-10. Review status: criteria provided, single submitter. Criteria: GeneDx Variant Classification Process June 2021. Collection method: clinical testing. Allele origin: germline. Affected: yes.
Comment: Reported in individuals with HCM referred for genetic testing at GeneDx and in published literature and in two patients from the Framingham and Jackson Heart Study cohorts (PMID: 22958901, 28193612, 35653365, 37466024); In silico analysis supports that this missense variant has a deleterious effect on protein structure/function; This variant is associated with the following publications: (PMID: 29420653, 28193612, 35653365, 37652022, 37466024, 22958901)

Molecular Diagnostic Laboratory for Inherited Cardiovascular Disease, Montreal Heart Institute
Classification: Likely benign. Last evaluated: 2025-04-09. Review status: criteria provided, single submitter. Criteria: ACMG Guidelines, 2015. Collection method: clinical testing. Allele origin: germline. Affected: no.
Comment: BS1;BP6;PP3

Mayo Clinic Laboratories, Mayo Clinic
Classification: Likely benign. Last evaluated: 2025-03-24. Review status: criteria provided, single submitter. Criteria: ACMG Guidelines, 2015. Collection method: clinical testing. Allele origin: germline. Observed: 1 variant allele.
Comment: BA1, PP3

PreventionGenetics, part of Exact Sciences
Classification: Likely benign for MYL3-related condition. Last evaluated: 2025-03-17. Review status: criteria provided, single submitter. Criteria: ACMG Guidelines, 2015. Collection method: clinical testing. Allele origin: germline.
Comment: This variant is classified as likely benign based on ACMG/AMP sequence variant interpretation guidelines (Richards et al. 2015 PMID: 25741868, with internal and published modifications).

Blueprint Genetics
Classification: Likely benign. Last evaluated: 2024-04-02. Review status: criteria provided, single submitter. Criteria: ACMG Guidelines, 2015. Collection method: clinical testing. Allele origin: germline.

Department of Pathology and Laboratory Medicine, Sinai Health System
Classification: Uncertain significance for Hypertrophic cardiomyopathy 8. Last evaluated: 2022-02-14. Review status: criteria provided, single submitter. Criteria: ACMG Guidelines, 2015. Collection method: research. Allele origin: germline.

CHEO Genetics Diagnostic Laboratory, Children's Hospital of Eastern Ontario
Classification: Benign for Cardiomyopathy. Last evaluated: 2021-03-24. Review status: criteria provided, single submitter. Criteria: ACMG Guidelines, 2015. Collection method: clinical testing. Allele origin: germline. Study: Canadian Open Genetics Repository.

Color Diagnostics, LLC DBA Color Health
Classification: Likely benign for Cardiomyopathy. Last evaluated: 2019-11-17. Review status: criteria provided, single submitter. Criteria: ACMG Guidelines, 2015. Collection method: clinical testing. Allele origin: germline.

Ambry Genetics
Classification: Likely benign for Cardiovascular phenotype. Last evaluated: 2019-10-03. Review status: criteria provided, single submitter. Criteria: Ambry Variant Classification Scheme 2023. Collection method: clinical testing. Allele origin: germline.

Laboratory for Molecular Medicine, Mass General Brigham Personalized Medicine
Classification: Uncertain significance. Last evaluated: 2018-05-21. Review status: criteria provided, single submitter. Criteria: LMM Criteria. Collection method: clinical testing. Allele origin: germline. Observed: 5 variant alleles.
Comment: Variant classified as Uncertain Significance - Favor Benign. The p.Asp178Asn var iant in MYL3 has been reported in 3 individuals with hypertrophic cardiomyopathy (Weissler-Snir 2017, LMM Data), but has also been identified in 0.14% (44/30782 ) of South Asian chromosomes by the Genome Aggregation Database (gnomAD; dbSNP rs145520567). This variant is also reported in ClinVar (Variation ID 43128). Computational prediction tools and conservation a nalysis suggest that the p.Asp178Asn variant may impact the protein, though this information is not predictive enough to determine pathogenicity. In summary, wh ile the clinical significance of the p.Asp178Asn variant is uncertain, its frequ ency in the general population suggests that it is more likely to be benign. ACM G/AMP Criteria applied: PP3, PS4_Supporting, BS1.

Women's Health and Genetics/Laboratory Corporation of America, LabCorp
Classification: Likely benign. Last evaluated: 2016-01-25. Review status: criteria provided, single submitter. Criteria: LabCorp Variant Classification Summary - May 2015. Collection method: clinical testing. Allele origin: germline.

Literature cited by the submitters: PubMed 22958901 (cited by 4 submitters); PubMed 28193612 (cited by 3 submitters); PubMed 29420653 (cited by 3 submitters); PubMed 35653365 (cited by Mayo Clinic Laboratories, Mayo Clinic); PubMed 37652022 (cited by Mayo Clinic Laboratories, Mayo Clinic).

NM_000258.3(MYL3):c.532G>A (p.Asp178Asn)

Gene: MYL3 (myosin light chain 3; minus strand). Cytogenetic location: 3p21.31.
Variant type: single nucleotide variant.
Coding change: c.532G>A on transcript NM_000258.3 (MANE Select); coding-DNA position 532, G replaced by A.
Protein change: p.Asp178Asn; replaces aspartic acid 178 with asparagine.
Molecular consequence: missense variant.
Genome position (GRCh38, 1-based): chr3:46,858,411, C>T on the plus strand (G>A on the coding strand, the complement: MYL3 is on the minus strand). VCF-style: chr3-46858411-C-T. GRCh37 (hg19) VCF-style: chr3-46899901-C-T.
Other names: p.D178N:GAC>AAC; short protein forms D178N.
Identifiers: ClinVar variation 43128 (VCV000043128.34), dbSNP rs145520567, ClinGen allele CA014032.